The following is an entry in ClinVar:

NM_015001.3(SPEN):c.4089T>G (p.Asp1363Glu)

Gene: SPEN (spen family transcriptional repressor; plus strand). Cytogenetic location: 1p36.13.
Variant type: single nucleotide variant.
Coding change: c.4089T>G on transcript NM_015001.3 (MANE Select); coding-DNA position 4089, T replaced by G.
Protein change: p.Asp1363Glu; replaces aspartic acid 1363 with glutamic acid.
Molecular consequence: missense variant.
Genome position (GRCh38, 1-based): chr1:15,930,329, T>G. VCF-style: chr1-15930329-T-G. GRCh37 (hg19) VCF-style: chr1-16256824-T-G.
Other names: short protein forms D1363E.
Identifiers: ClinVar variation 3059753 (VCV003059753.2), dbSNP rs12095818, ClinGen allele CA619527.

ClinVar aggregate classification (germline): Benign (0 of 4 stars; one submission).

Conditions:
SPEN-related disorder. Also called: SPEN-related condition.

Allele frequency attached by ClinVar (database versions not stated): gnomAD exomes 0.00233; ExAC 0.00425; 1000 Genomes Project 30x 0.00765; 1000 Genomes Project 0.00799; gnomAD 0.00898; TOPMed 0.00999; ESP Exome Variant Server 0.01000.
gnomAD v4.1: 4,870 of 1,613,950 alleles (0.3%); highest among the groups gnomAD compares: African/African-American, 2.9%; 41 homozygotes.

Submission:

PreventionGenetics, part of Exact Sciences
Classification: Benign for SPEN-related condition. Last evaluated: 2024-03-12. Review status: no assertion criteria provided. Collection method: clinical testing. Allele origin: germline.
Comment: This variant is classified as benign based on ACMG/AMP sequence variant interpretation guidelines (Richards et al. 2015 PMID: 25741868, with internal and published modifications).